The following is an entry in ClinVar:

NM_000701.8(ATP1A1):c.2656C>T (p.Leu886Phe)

Genes: ATP1A1-AS1 (ATP1A1 antisense RNA 1; minus strand), ATP1A1 (ATPase Na+/K+ transporting subunit alpha 1; plus strand). Cytogenetic location: 1p13.1.
Variant type: single nucleotide variant.
Coding change: c.2656C>T on transcript NM_000701.8 (MANE Select); coding-DNA position 2656, C replaced by T.
Protein change: p.Leu886Phe; replaces leucine 886 with phenylalanine.
Molecular consequence: missense variant. On other transcripts: non-coding transcript variant (2).
Genome position (GRCh38, 1-based): chr1:116,400,944, C>T. VCF-style: chr1-116400944-C-T. GRCh37 (hg19) VCF-style: chr1-116943566-C-T.
Other names: c.2656C>T, p.Leu886Phe (NM_001160233.2); c.2563C>T, p.Leu855Phe (NM_001160234.2); short protein forms L855F, L886F.
Identifiers: ClinVar variation 5007938 (VCV005007938.1).

ClinVar aggregate classification (germline): Uncertain significance (1 of 4 stars; one submission).

Submission:

GeneDx
Classification: Uncertain significance. Last evaluated: 2026-02-24. Review status: criteria provided, single submitter. Criteria: GeneDx Variant Classification Process June 2021. Collection method: clinical testing. Allele origin: germline.
Comment: Not observed at significant frequency in large population cohorts (gnomAD); In silico analysis supports that this missense variant has a deleterious effect on protein structure/function; Has not been previously published as pathogenic or benign to our knowledge